The following is an entry in ClinVar:

NM_001378964.1(CDON):c.3263A>G (p.His1088Arg)

Gene: CDON (cell adhesion associated, oncogene regulated; minus strand). Cytogenetic location: 11q24.2.
Variant type: single nucleotide variant.
Coding change: c.3263A>G on transcript NM_001378964.1 (MANE Select); coding-DNA position 3263, A replaced by G.
Protein change: p.His1088Arg; replaces histidine 1088 with arginine.
Molecular consequence: missense variant.
Genome position (GRCh38, 1-based): chr11:125,981,062, T>C on the plus strand (A>G on the coding strand, the complement: CDON is on the minus strand). VCF-style: chr11-125981062-T-C. GRCh37 (hg19) VCF-style: chr11-125850957-T-C.
Other names: c.3263A>G, p.His1088Arg (NM_001243597.3, NM_016952.6); short protein forms H1088R.
Identifiers: ClinVar variation 2959722 (VCV002959722.3), dbSNP rs759948908, ClinGen allele CA6351471.

ClinVar aggregate classification (germline): Uncertain significance (1 of 4 stars; one submission).

Conditions:
Holoprosencephaly 11 (HPE11). Identifiers: Orphanet 2162, MedGen C3280215, MONDO:0013642, OMIM 614226.

Allele frequency attached by ClinVar (database versions not stated): TOPMed below 0.00001; ExAC 0.00001; gnomAD 0.00001.
gnomAD v4.1: 1 of 1,614,052 alleles (0.000062%); highest among the groups gnomAD compares: Non-Finnish European, 0.000085%; no homozygotes.

Submission:

Labcorp Genetics (formerly Invitae), Labcorp
Classification: Uncertain significance for Holoprosencephaly 11. Last evaluated: 2024-01-19. Review status: criteria provided, single submitter. Criteria: Invitae Variant Classification Sherloc (09022015). Collection method: clinical testing. Allele origin: germline.
Comment: This sequence change replaces histidine, which is basic and polar, with arginine, which is basic and polar, at codon 1088 of the CDON protein (p.His1088Arg). This variant is present in population databases (rs759948908, gnomAD 0.0009%). This variant has not been reported in the literature in individuals affected with CDON-related conditions. Advanced modeling of protein sequence and biophysical properties (such as structural, functional, and spatial information, amino acid conservation, physicochemical variation, residue mobility, and thermodynamic stability) performed at Invitae indicates that this missense variant is not expected to disrupt CDON protein function with a negative predictive value of 80%. In summary, the available evidence is currently insufficient to determine the role of this variant in disease. Therefore, it has been classified as a Variant of Uncertain Significance.